The following is an entry in ClinVar:

NM_000535.7(PMS2):c.82T>G (p.Ser28Ala)

Gene: PMS2 (PMS1 homolog 2, mismatch repair system component; minus strand). Cytogenetic location: 7p22.1.
Variant type: single nucleotide variant.
Coding change: c.82T>G on transcript NM_000535.7 (MANE Select); coding-DNA position 82, T replaced by G.
Protein change: p.Ser28Ala; replaces serine 28 with alanine.
Molecular consequence: missense variant. On other transcripts: 5 prime UTR variant (8), non-coding transcript variant (1), intron variant (3).
Genome position (GRCh38, 1-based): chr7:6,005,973, A>C on the plus strand (T>G on the coding strand, the complement: PMS2 is on the minus strand). VCF-style: chr7-6005973-A-C. GRCh37 (hg19) VCF-style: chr7-6045604-A-C.
Other names: c.-324T>G (NM_001322003.2, NM_001322005.2, NM_001322009.2 and 1 more transcripts); c.82T>G, p.Ser28Ala (NM_001322006.2, NM_001322014.2); c.-134T>G (NM_001322007.2); c.-803T>G (NM_001322011.2, NM_001322012.2); c.-403T>G (NM_001322015.2); c.-52-1915T>G (NM_001322008.2); c.-242-1915T>G (NM_001322010.2, NM_001322004.2); short protein forms S28A.
Identifiers: ClinVar variation 1420450 (VCV001420450.10), dbSNP rs587781908, ClinGen allele CA366745092.

ClinVar aggregate classification (germline): Uncertain significance. Review status: criteria provided, multiple submitters, no conflicts (2 of 4 stars). 3 submissions from 3 submitters: Uncertain significance (3). Last evaluated 2025-04-28.

Conditions:
Hereditary cancer-predisposing syndrome. Also called: Neoplastic Syndromes, Hereditary; Hereditary Cancer Syndrome; Hereditary neoplastic syndrome; Tumor predisposition. Identifiers: Orphanet 140162, MedGen C0027672, MeSH D009386, MONDO:0015356.
Hereditary nonpolyposis colorectal neoplasms. Identifiers: MedGen C0009405, MeSH D003123.
Lynch syndrome 4 (LYNCH4). Also called: Colorectal cancer, hereditary nonpolyposis, type 4; Hereditary non-polyposis colorectal cancer, type 4. Identifiers: Orphanet 144, MedGen C1838333, MONDO:0013699, OMIM 614337. Disease mechanism: loss of function.

Allele frequency attached by ClinVar (database versions not stated): TOPMed below 0.00001.

Submissions (3):

Ambry Genetics
Classification: Uncertain significance for Hereditary cancer-predisposing syndrome. Last evaluated: 2025-04-28. Review status: criteria provided, single submitter. Criteria: Ambry Variant Classification Scheme 2023. Collection method: clinical testing. Allele origin: germline.
Comment: The p.S28A variant (also known as c.82T>G), located in coding exon 2 of the PMS2 gene, results from a T to G substitution at nucleotide position 82. The serine at codon 28 is replaced by alanine, an amino acid with similar properties. This amino acid position is highly conserved in available vertebrate species. In addition, this alteration is predicted to be deleterious by in silico analysis. Based on the available evidence, the clinical significance of this variant remains unclear.

Baylor Genetics
Classification: Uncertain significance for Lynch syndrome 4. Last evaluated: 2023-08-20. Review status: criteria provided, single submitter. Criteria: ACMG Guidelines, 2015. Collection method: clinical testing. Allele origin: unknown.

Labcorp Genetics (formerly Invitae), Labcorp
Classification: Uncertain significance for Hereditary nonpolyposis colorectal neoplasms. Last evaluated: 2021-10-09. Review status: criteria provided, single submitter. Criteria: Invitae Variant Classification Sherloc (09022015). Collection method: clinical testing. Allele origin: germline.
Comment: In summary, the available evidence is currently insufficient to determine the role of this variant in disease. Therefore, it has been classified as a Variant of Uncertain Significance. Advanced modeling of protein sequence and biophysical properties (such as structural, functional, and spatial information, amino acid conservation, physicochemical variation, residue mobility, and thermodynamic stability) performed at Invitae indicates that this missense variant is not expected to disrupt PMS2 protein function. This variant has not been reported in the literature in individuals affected with PMS2-related conditions. This variant is not present in population databases (ExAC no frequency). This sequence change replaces serine with alanine at codon 28 of the PMS2 protein (p.Ser28Ala). The serine residue is highly conserved and there is a moderate physicochemical difference between serine and alanine.